The following is an entry in ClinVar:

NM_001081.4(CUBN):c.6077T>C (p.Ile2026Thr)

Gene: CUBN (cubilin; minus strand). Cytogenetic location: 10p13.
Variant type: single nucleotide variant.
Coding change: c.6077T>C on transcript NM_001081.4 (MANE Select); coding-DNA position 6077, T replaced by C.
Protein change: p.Ile2026Thr; replaces isoleucine 2026 with threonine.
Molecular consequence: missense variant.
Genome position (GRCh38, 1-based): chr10:16,933,134, A>G on the plus strand (T>C on the coding strand, the complement: CUBN is on the minus strand). VCF-style: chr10-16933134-A-G. GRCh37 (hg19) VCF-style: chr10-16975133-A-G.
Other names: short protein forms I2026T.
Identifiers: ClinVar variation 836282 (VCV000836282.10), dbSNP rs2131594633, ClinGen allele CA376153304.

ClinVar aggregate classification (germline): Uncertain significance (1 of 4 stars; one submission).

Conditions:
Imerslund-Grasbeck syndrome. Also called: Imerslund-Gräsbeck syndrome; ENTEROCYTE COBALAMIN MALABSORPTION; ENTEROCYTE INTRINSIC FACTOR RECEPTOR, DEFECT OF; PERNICIOUS ANEMIA, JUVENILE, DUE TO SELECTIVE INTESTINAL MALABSORPTION OF VITAMIN B12, WITH PROTEINURIA; Megaloblastic anemia due to inborn errors of metabolism. Identifiers: Orphanet 35858, MedGen C4551825, MONDO:0009853.

Allele frequency attached by ClinVar (database versions not stated): gnomAD exomes below 0.00001.
gnomAD v4.1: 4 of 1,614,080 alleles (0.00025%); highest among the groups gnomAD compares: African/African-American, 0.0013%; no homozygotes.

Submission:

Labcorp Genetics (formerly Invitae), Labcorp
Classification: Uncertain significance for Imerslund-Grasbeck syndrome. Last evaluated: 2019-12-04. Review status: criteria provided, single submitter. Criteria: Invitae Variant Classification Sherloc (09022015). Collection method: clinical testing. Allele origin: germline.
Comment: In summary, the available evidence is currently insufficient to determine the role of this variant in disease. Therefore, it has been classified as a Variant of Uncertain Significance. Algorithms developed to predict the effect of missense changes on protein structure and function (SIFT, PolyPhen-2, Align-GVGD) all suggest that this variant is likely to be disruptive, but these predictions have not been confirmed by published functional studies and their clinical significance is uncertain. This variant has not been reported in the literature in individuals with CUBN-related conditions. This variant is not present in population databases (ExAC no frequency). This sequence change replaces isoleucine with threonine at codon 2026 of the CUBN protein (p.Ile2026Thr). The isoleucine residue is moderately conserved and there is a moderate physicochemical difference between isoleucine and threonine.